The following is an entry in ClinVar:

NM_012469.4(PRPF6):c.2456T>G (p.Phe819Cys)

Gene: PRPF6 (pre-mRNA processing factor 6; plus strand). Cytogenetic location: 20q13.33.
Variant type: single nucleotide variant.
Coding change: c.2456T>G on transcript NM_012469.4 (MANE Select); coding-DNA position 2456, T replaced by G.
Protein change: p.Phe819Cys; replaces phenylalanine 819 with cysteine.
Molecular consequence: missense variant.
Genome position (GRCh38, 1-based): chr20:64,029,401, T>G. VCF-style: chr20-64029401-T-G. GRCh37 (hg19) VCF-style: chr20-62660754-T-G.
Other names: short protein forms F819C.
Identifiers: ClinVar variation 1307732 (VCV001307732.2), dbSNP rs2123106354, ClinGen allele CA409743480.

ClinVar aggregate classification (germline): Uncertain significance (1 of 4 stars; one submission).

Submission:

GeneDx
Classification: Uncertain significance. Last evaluated: 2019-08-07. Review status: criteria provided, single submitter. Criteria: GeneDx Variant Classification Process June 2021. Collection method: clinical testing. Allele origin: germline. Affected: yes.
Comment: Not observed in large population cohorts (Lek et al., 2016); In silico analysis, which includes protein predictors and evolutionary conservation, supports a deleterious effect; Has not been previously published as pathogenic or benign to our knowledge